The following is an entry in ClinVar:

NM_015375.3(DSTYK):c.569A>C (p.Glu190Ala)

Gene: DSTYK (dual serine/threonine and tyrosine protein kinase; minus strand). Cytogenetic location: 1q32.1.
Variant type: single nucleotide variant.
Coding change: c.569A>C on transcript NM_015375.3 (MANE Select); coding-DNA position 569, A replaced by C.
Protein change: p.Glu190Ala; replaces glutamic acid 190 with alanine.
Molecular consequence: missense variant.
Genome position (GRCh38, 1-based): chr1:205,187,503, T>G on the plus strand (A>C on the coding strand, the complement: DSTYK is on the minus strand). VCF-style: chr1-205187503-T-G. GRCh37 (hg19) VCF-style: chr1-205156631-T-G.
Other names: c.569A>C, p.Glu190Ala (NM_199462.3); short protein forms E190A.
Identifiers: ClinVar variation 2069375 (VCV002069375.6), dbSNP rs199548630, ClinGen allele CA1353016.
Genomic context (GRCh38, chr1:205,187,503, plus strand): 5'-ACCTCCAGTTCCGCTAAAACATGAGCAGCATCCTCATTGTTCTCTTGGACCTCCAGATCC[T>G]CCTCAGGGATGGTCTCCCAGTTGCCCTGATGAGCAACCAGCGTGTGCACTAGTTCATACT-3'
Protein context (NP_056190.1, residues 180-200): HQGNWETIPE[Glu190Ala]DLEVQENNED

ClinVar aggregate classification (germline): Uncertain significance. Review status: criteria provided, multiple submitters, no conflicts (2 of 4 stars). 2 submissions from 2 submitters: Uncertain significance (2). Last evaluated 2025-12-10.

Allele frequency attached by ClinVar (database versions not stated): ExAC 0.00026; gnomAD 0.00042; TOPMed 0.00050; ESP Exome Variant Server 0.00069; gnomAD exomes 0.00091.
gnomAD v4.1: 1,360 of 1,614,088 alleles (0.084%); highest among the groups gnomAD compares: Non-Finnish European, 0.11%; 3 homozygotes.

Submissions (2):

Labcorp Genetics (formerly Invitae), Labcorp
Classification: Uncertain significance. Last evaluated: 2025-12-10. Review status: criteria provided, single submitter. Criteria: Invitae Variant Classification Sherloc (09022015). Collection method: clinical testing. Allele origin: germline.
Comment: This sequence change replaces glutamic acid, which is acidic and polar, with alanine, which is neutral and non-polar, at codon 190 of the DSTYK protein (p.Glu190Ala). This variant is present in population databases (rs199548630, gnomAD 0.07%), and has an allele count higher than expected for a pathogenic variant. This variant has not been reported in the literature in individuals affected with DSTYK-related conditions. ClinVar contains an entry for this variant (Variation ID: 2069375). An algorithm developed to predict the effect of missense changes on protein structure and function (PolyPhen-2) suggests that this variant is likely to be tolerated. In summary, the available evidence is currently insufficient to determine the role of this variant in disease. Therefore, it has been classified as a Variant of Uncertain Significance.

Ambry Genetics
Classification: Uncertain significance. Last evaluated: 2024-06-30. Review status: criteria provided, single submitter. Criteria: Ambry Variant Classification Scheme 2023. Collection method: clinical testing. Allele origin: germline.